The following is an entry in ClinVar:

ClinVar aggregate classification (germline): Uncertain significance (1 of 4 stars; one submission).

Submission:

Labcorp Genetics (formerly Invitae), Labcorp
Classification: Uncertain significance. Last evaluated: 2025-12-08. Review status: criteria provided, single submitter. Criteria: Invitae Variant Classification Sherloc (09022015). Collection method: clinical testing. Allele origin: germline.
Comment: This sequence change replaces alanine, which is neutral and non-polar, with serine, which is neutral and polar, at codon 714 of the CLCN7 protein (p.Ala714Ser). This variant is not present in population databases (gnomAD no frequency). This variant has not been reported in the literature in individuals affected with CLCN7-related conditions. Invitae Evidence Modeling of protein sequence and biophysical properties (such as structural, functional, and spatial information, amino acid conservation, physicochemical variation, residue mobility, and thermodynamic stability) indicates that this missense variant is not expected to disrupt CLCN7 protein function with a negative predictive value of 95%. In summary, the available evidence is currently insufficient to determine the role of this variant in disease. Therefore, it has been classified as a Variant of Uncertain Significance.

NM_001287.6(CLCN7):c.2140G>T (p.Ala714Ser)

Gene: CLCN7 (Cl-/H+ antiporter 7; minus strand). Cytogenetic location: 16p13.3.
Variant type: single nucleotide variant.
Coding change: c.2140G>T on transcript NM_001287.6 (MANE Select); coding-DNA position 2140, G replaced by T.
Protein change: p.Ala714Ser; replaces alanine 714 with serine.
Molecular consequence: missense variant.
Genome position (GRCh38, 1-based): chr16:1,447,502, C>A on the plus strand (G>T on the coding strand, the complement: CLCN7 is on the minus strand). VCF-style: chr16-1447502-C-A. GRCh37 (hg19) VCF-style: chr16-1497503-C-A.
Other names: c.2068G>T, p.Ala690Ser (NM_001114331.3); short protein forms A690S, A714S.
Identifiers: ClinVar variation 4802814 (VCV004802814.1).